The following is an entry in ClinVar:

ClinVar aggregate classification (germline): Pathogenic (1 of 4 stars; one submission).

Submission:

GeneDx
Classification: Pathogenic. Last evaluated: 2024-12-12. Review status: criteria provided, single submitter. Criteria: GeneDx Variant Classification Process June 2021. Collection method: clinical testing. Allele origin: germline. Affected: yes.
Comment: Frameshift variant predicted to result in protein truncation or nonsense mediated decay in a gene for which loss of function is a known mechanism of disease; Not observed at significant frequency in large population cohorts (gnomAD); This variant is associated with the following publications: (PMID: 35717370)

NM_001365902.3(NFIX):c.575_578del (p.Asp192fs)

Gene: NFIX (nuclear factor I X; plus strand). Cytogenetic location: 19p13.13.
Variant type: Deletion.
Coding change: c.575_578del on transcript NM_001365902.3 (MANE Select); coding-DNA positions 575 to 578, 4 bases deleted (ATAG; older notation c.575_578delATAG).
Protein change: p.Asp192fs; shifts the reading frame from aspartic acid 192.
Molecular consequence: frameshift variant.
Genome position (GRCh38, 1-based): chr19:13,073,062-13,073,065, ATAG deleted; deleting any 4 consecutive bases within chr19:13,073,060-13,073,065 gives the same sequence; the c. name uses the placement nearest the transcript's 3' end. VCF-style (leftmost placement, unchanged base first): chr19-13073059-CAGAT-C. GRCh37 (hg19) VCF-style: chr19-13183873-CAGAT-C.
Other names: c.599_602del, p.Asp200fs (NM_001271043.2); c.551_554del, p.Asp184fs (NM_001271044.3, NM_001378404.1); c.575_578del, p.Asp192fs (NM_001365982.2, NM_002501.4); c.434_437del, p.Asp145fs (NM_001365983.2); c.572_575del, p.Asp191fs (NM_001365984.2, NM_001365985.2); c.623_626del, p.Asp208fs (NM_001378405.1); short protein forms D145fs, D184fs, D191fs, D192fs, D200fs, D208fs.
Identifiers: ClinVar variation 3903242 (VCV003903242.1).